The following is an entry in ClinVar:

NM_001267550.2(TTN):c.66770-1G>A

Genes: TTN (titin; minus strand), TTN-AS1 (TTN antisense RNA 1; plus strand). Cytogenetic location: 2q31.2.
Variant type: single nucleotide variant.
Coding change: c.66770-1G>A on transcript NM_001267550.2 (MANE Select); the canonical splice acceptor site of the intron before coding-DNA position 66770, G replaced by A.
Molecular consequence: splice acceptor variant.
Genome position (GRCh38, 1-based): chr2:178,580,610, C>T on the plus strand (G>A on the coding strand, the complement: TTN is on the minus strand). VCF-style: chr2-178580610-C-T. GRCh37 (hg19) VCF-style: chr2-179445337-C-T.
Other names: c.39575-1G>A (NM_003319.4); c.40151-1G>A (NM_133437.4); c.39950-1G>A (NM_133432.3); c.59066-1G>A (NM_133378.4); c.61847-1G>A (NM_001256850.1).
Identifiers: ClinVar variation 4615354 (VCV004615354.1).
Genomic context (GRCh38, chr2:178,580,610, plus strand): 5'-CTCCAGCACGTAATATGAGTGTCTTCCTTAAGTCCGCATCAAGTTCTCCCTCAGGTGGAA[C>T]TGTTTAATTTTGGGTGAAGAAGTTAAATAAAAATTTAATAGTCAAATGTATTTCCAGGGA-3'

ClinVar aggregate classification (germline): Uncertain significance (1 of 4 stars; one submission).

Conditions:
Cardiovascular phenotype. Identifiers: MedGen CN230736.

Submission:

Ambry Genetics
Classification: Uncertain significance for Cardiovascular phenotype. Last evaluated: 2025-11-03. Review status: criteria provided, single submitter. Criteria: Ambry Variant Classification Scheme 2023. Collection method: clinical testing. Allele origin: germline.
Comment: The c.39575-1G>A intronic variant results from a G to A substitution one nucleotide upstream from coding exon 144 of the TTN gene. This exon is located in the A-band region of the N2-B isoform of the titin protein and is constitutively expressed in TTN transcripts (percent spliced in or PSI 100%). Alterations that disrupt the canonical splice site are expected to result in aberrant splicing. In silico splice site analysis predicts that this alteration will weaken the native splice acceptor site. A resulting transcript is predicted to be in-frame and is not expected to trigger nonsense-mediated mRNAdecay; although, direct evidence is unavailable. This nucleotide position is highly conserved in available vertebrate species. Based on the available evidence, the clinical significance of this variant remains unclear.